The following is an entry in ClinVar:

NM_000085.5(CLCNKB):c.1054-7G>A

Genes: CLCNKB (chloride voltage-gated channel Kb; plus strand), LOC106501713 (CLCNKB recombination region; plus strand). Cytogenetic location: 1p36.13.
Variant type: single nucleotide variant.
Coding change: c.1054-7G>A on transcript NM_000085.5 (MANE Select); 7 bases into the intron before coding-DNA position 1054, G replaced by A.
Molecular consequence: intron variant.
Genome position (GRCh38, 1-based): chr1:16,050,868, G>A. VCF-style: chr1-16050868-G-A. GRCh37 (hg19) VCF-style: chr1-16377363-G-A.
Other names: p.?; c.547-7G>A (NM_001165945.2).
Identifiers: ClinVar variation 1222788 (VCV001222788.13), dbSNP rs185451420, ClinGen allele CA623702.

ClinVar aggregate classification (germline): Benign. Review status: criteria provided, multiple submitters, no conflicts (2 of 4 stars). 4 submissions from 4 submitters: Benign (4). Last evaluated 2026-02-04.

Allele frequency attached by ClinVar (database versions not stated): gnomAD 0.00199 and 0.00212; ExAC 0.07258.

Submissions (4):

Labcorp Genetics (formerly Invitae), Labcorp
Classification: Benign. Last evaluated: 2026-02-04. Review status: criteria provided, single submitter. Criteria: Invitae Variant Classification Sherloc (09022015). Collection method: clinical testing. Allele origin: germline.

Mayo Clinic Laboratories, Mayo Clinic
Classification: Benign. Last evaluated: 2025-09-22. Review status: criteria provided, single submitter. Criteria: ACMG Guidelines, 2015. Collection method: clinical testing. Allele origin: germline. Observed: 1 variant allele.
Comment: BA1, BP4, BP7

GeneDx
Classification: Benign. Last evaluated: 2018-11-10. Review status: criteria provided, single submitter. Criteria: GeneDx Variant Classification Process June 2021. Collection method: clinical testing. Allele origin: germline. Affected: yes.

Breakthrough Genomics
Classification: Benign. Review status: criteria provided, single submitter. Criteria: ACMG Guidelines, 2015. Collection method: not provided. Allele origin: germline. Inheritance: Autosomal recessive inheritance. Affected: yes.